The following is an entry in ClinVar:

ClinVar aggregate classification (germline): Likely benign (1 of 4 stars; one submission).

Allele frequency attached by ClinVar (database versions not stated): ExAC 0.00001; gnomAD 0.00002; TOPMed 0.00002.

Submission:

CeGaT Center for Human Genetics Tuebingen
Classification: Likely benign. Last evaluated: 2023-11-01. Review status: criteria provided, single submitter. Criteria: CeGaT Center For Human Genetics Tuebingen Variant Classification Criteria Version 2. Collection method: clinical testing. Allele origin: germline. Affected: yes. Observed: 1 variant allele.
Comment: MUC16: BP4

NM_001401501.2(MUC16):c.30958C>T (p.Pro10320Ser)

Gene: MUC16 (mucin 16, cell surface associated; minus strand). Cytogenetic location: 19p13.2.
Variant type: single nucleotide variant.
Coding change: c.30958C>T on transcript NM_001401501.2 (MANE Select); coding-DNA position 30958, C replaced by T.
Protein change: p.Pro10320Ser; replaces proline 10320 with serine.
Molecular consequence: missense variant.
Genome position (GRCh38, 1-based): chr19:8,945,932, G>A on the plus strand (C>T on the coding strand, the complement: MUC16 is on the minus strand). VCF-style: chr19-8945932-G-A. GRCh37 (hg19) VCF-style: chr19-9056608-G-A.
Other names: c.31384C>T, p.Pro10462Ser (NM_001414686.1); c.30838C>T, p.Pro10280Ser (NM_001414687.1, NM_024690.2); short protein forms P10280S, P10320S, P10462S.
Identifiers: ClinVar variation 2672741 (VCV002672741.23), dbSNP rs777001855, ClinGen allele CA9167023.